The following is an entry in ClinVar:

ClinVar aggregate classification (germline): Uncertain significance (1 of 4 stars; one submission).

Conditions:
Dilated cardiomyopathy 1O (CMD1O). Also called: CARDIOMYOPATHY, DILATED, WITH VENTRICULAR TACHYCARDIA. Identifiers: Orphanet 154, MedGen C1837839, MONDO:0012062, OMIM 608569.

Allele frequency attached by ClinVar (database versions not stated): gnomAD exomes below 0.00001; TOPMed below 0.00001; ExAC 0.00001; gnomAD 0.00001; ESP Exome Variant Server 0.00008.

Submission:

Labcorp Genetics (formerly Invitae), Labcorp
Classification: Uncertain significance for Dilated cardiomyopathy 1O. Last evaluated: 2025-12-10. Review status: criteria provided, single submitter. Criteria: Invitae Variant Classification Sherloc (09022015). Collection method: clinical testing. Allele origin: germline.
Comment: This sequence change replaces serine, which is neutral and polar, with leucine, which is neutral and non-polar, at codon 95 of the ABCC9 protein (p.Ser95Leu). This variant is present in population databases (rs376432144, gnomAD 0.0009%). This variant has not been reported in the literature in individuals affected with ABCC9-related conditions. ClinVar contains an entry for this variant (Variation ID: 1991569). An algorithm developed to predict the effect of missense changes on protein structure and function (PolyPhen-2) suggests that this variant is likely to be tolerated. In summary, the available evidence is currently insufficient to determine the role of this variant in disease. Therefore, it has been classified as a Variant of Uncertain Significance.

NM_020297.4(ABCC9):c.284C>T (p.Ser95Leu)

Gene: ABCC9 (ATP binding cassette subfamily C member 9; minus strand). Cytogenetic location: 12p12.1.
Variant type: single nucleotide variant.
Coding change: c.284C>T on transcript NM_020297.4 (MANE Select); coding-DNA position 284, C replaced by T.
Protein change: p.Ser95Leu; replaces serine 95 with leucine.
Molecular consequence: missense variant. On other transcripts: 5 prime UTR variant (1).
Genome position (GRCh38, 1-based): chr12:21,933,782, G>A on the plus strand (C>T on the coding strand, the complement: ABCC9 is on the minus strand). VCF-style: chr12-21933782-G-A. GRCh37 (hg19) VCF-style: chr12-22086716-G-A.
Other names: c.284C>T, p.Ser95Leu (NM_001377273.1, NM_005691.4); c.-171C>T (NM_001377274.1); short protein forms S95L.
Identifiers: ClinVar variation 1991569 (VCV001991569.4), dbSNP rs376432144, ClinGen allele CA6481922.
Genomic context (GRCh38, chr12:21,933,782, plus strand): 5'-TGTGTAATCAATATACCCACTGGTATACTGCAGTGGTATTATTTAACTTAGATCACTTAC[G>A]AGTCTGAAACAATGCCTTCTGCTATTTCACAGACATGCACAAACAGGAGAGCGAATGTAA-3'
Protein context (NP_064693.2, residues 85-105): CEIAEGIVSD[Ser95Leu]RRESRHLHLF